The following is an entry in ClinVar:

NM_005862.3(STAG1):c.152G>A (p.Arg51Gln)

Gene: STAG1 (STAG1 cohesin complex component; minus strand). Cytogenetic location: 3q22.3.
Variant type: single nucleotide variant.
Coding change: c.152G>A on transcript NM_005862.3 (MANE Select); coding-DNA position 152, G replaced by A.
Protein change: p.Arg51Gln; replaces arginine 51 with glutamine.
Molecular consequence: missense variant.
Genome position (GRCh38, 1-based): chr3:136,604,454, C>T on the plus strand (G>A on the coding strand, the complement: STAG1 is on the minus strand). VCF-style: chr3-136604454-C-T. GRCh37 (hg19) VCF-style: chr3-136323296-C-T.
Other names: short protein forms R51Q.
Identifiers: ClinVar variation 3013656 (VCV003013656.3), dbSNP rs1407019438, ClinGen allele CA354745161.

ClinVar aggregate classification (germline): Uncertain significance (1 of 4 stars; one submission).

Allele frequency attached by ClinVar (database versions not stated): gnomAD exomes below 0.00001.
gnomAD v4.1: 4 of 1,598,808 alleles (0.00025%); highest among the groups gnomAD compares: South Asian, 0.0011%; no homozygotes.

Submission:

Labcorp Genetics (formerly Invitae), Labcorp
Classification: Uncertain significance. Last evaluated: 2025-11-17. Review status: criteria provided, single submitter. Criteria: Invitae Variant Classification Sherloc (09022015). Collection method: clinical testing. Allele origin: germline.
Comment: This sequence change replaces arginine, which is basic and polar, with glutamine, which is neutral and polar, at codon 51 of the STAG1 protein (p.Arg51Gln). This variant is present in population databases (no rsID available, gnomAD 0.004%). This variant has not been reported in the literature in individuals affected with STAG1-related conditions. ClinVar contains an entry for this variant (Variation ID: 3013656). Invitae Evidence Modeling of protein sequence and biophysical properties (such as structural, functional, and spatial information, amino acid conservation, physicochemical variation, residue mobility, and thermodynamic stability) indicates that this missense variant is not expected to disrupt STAG1 protein function with a negative predictive value of 80%. In summary, the available evidence is currently insufficient to determine the role of this variant in disease. Therefore, it has been classified as a Variant of Uncertain Significance.